The following is an entry in ClinVar:

ClinVar aggregate classification (germline): Uncertain significance. Review status: criteria provided, multiple submitters, no conflicts (2 of 4 stars). 2 submissions from 2 submitters: Uncertain significance (2). Last evaluated 2025-03-03.

Conditions:
Inborn genetic diseases. Identifiers: MedGen C0950123, MeSH D030342.
Generalized epilepsy-paroxysmal dyskinesia syndrome (PNKD3). Also called: Paroxysmal nonkinesigenic dyskinesia, 3, with or without generalized epilepsy; Generalized epilepsy and paroxysmal dyskinesia. Identifiers: Orphanet 79137, MedGen C5574945, MONDO:0012276, OMIM 609446.

Allele frequency attached by ClinVar (database versions not stated): ExAC 0.00001; gnomAD exomes 0.00001 and 0.00002; gnomAD 0.00002 and 0.00004; ESP Exome Variant Server 0.00008; TOPMed 0.00012; 1000 Genomes Project 30x 0.00016; 1000 Genomes Project 0.00020.
gnomAD v4.1: 35 of 1,613,630 alleles (0.0022%); highest among the groups gnomAD compares: Admixed American, 0.005%; no homozygotes.

Submissions (2):

Labcorp Genetics (formerly Invitae), Labcorp
Classification: Uncertain significance for Generalized epilepsy-paroxysmal dyskinesia syndrome. Last evaluated: 2025-03-03. Review status: criteria provided, single submitter. Criteria: Invitae Variant Classification Sherloc (09022015). Collection method: clinical testing. Allele origin: germline.
Comment: This sequence change replaces arginine, which is basic and polar, with histidine, which is basic and polar, at codon 931 of the KCNMA1 protein (p.Arg931His). This variant is present in population databases (rs369646039, gnomAD 0.002%). This variant has not been reported in the literature in individuals affected with KCNMA1-related conditions. ClinVar contains an entry for this variant (Variation ID: 1035331). An algorithm developed to predict the effect of missense changes on protein structure and function outputs the following: PolyPhen-2: "Probably Damaging". The histidine amino acid residue is found in multiple mammalian species, which suggests that this missense change does not adversely affect protein function. In summary, the available evidence is currently insufficient to determine the role of this variant in disease. Therefore, it has been classified as a Variant of Uncertain Significance.

Ambry Genetics
Classification: Uncertain significance for Inborn genetic diseases. Last evaluated: 2021-10-26. Review status: criteria provided, single submitter. Criteria: Ambry Variant Classification Scheme 2023. Collection method: clinical testing. Allele origin: germline.

NM_001161352.2(KCNMA1):c.2966G>A (p.Arg989His)

Genes: KCNMA1-AS1 (KCNMA1 antisense RNA 1; plus strand), KCNMA1 (potassium calcium-activated channel subfamily M alpha 1; minus strand). Cytogenetic location: 10q22.3.
Variant type: single nucleotide variant.
Coding change: c.2966G>A on transcript NM_001161352.2 (MANE Select); coding-DNA position 2966, G replaced by A.
Protein change: p.Arg989His; replaces arginine 989 with histidine.
Molecular consequence: missense variant.
Genome position (GRCh38, 1-based): chr10:76,914,986, C>T on the plus strand (G>A on the coding strand, the complement: KCNMA1 is on the minus strand). VCF-style: chr10-76914986-C-T. GRCh37 (hg19) VCF-style: chr10-78674744-C-T.
Other names: c.2804G>A, p.Arg935His (NM_001014797.3, NM_001322835.2, NM_001322837.2); c.2915G>A, p.Arg972His (NM_001161353.2); c.2642G>A, p.Arg881His (NM_001271518.2); c.2801G>A, p.Arg934His (NM_001271519.2, NM_001322829.2, NM_001322836.2); c.2813G>A, p.Arg938His (NM_001322830.2); c.2792G>A, p.Arg931His (NM_001322832.2, NM_002247.4); c.2339G>A, p.Arg780His (NM_001322838.2); c.2792G>A (NM_002247.3); short protein forms R881H, R934H, R935H, R780H, R989H, R931H, R938H, R972H.
Identifiers: ClinVar variation 1035331 (VCV001035331.8), dbSNP rs369646039, ClinGen allele CA5567949.